The following is an entry in ClinVar:

ClinVar aggregate classification (germline): Uncertain significance. Review status: criteria provided, multiple submitters, no conflicts (2 of 4 stars). 2 submissions from 2 submitters: Uncertain significance (2). Last evaluated 2023-07-21.

Conditions:
Shukla-Vernon syndrome. Identifiers: MedGen C5193146, MONDO:0026727, OMIM 301029.

Allele frequency attached by ClinVar (database versions not stated): ExAC 0.00002; gnomAD 0.00009; TOPMed 0.00009; ESP Exome Variant Server 0.00019; gnomAD exomes 0.00020.
gnomAD v4.1: 216 of 1,173,193 alleles (0.018%); highest among the groups gnomAD compares: Non-Finnish European, 0.023%; no homozygotes.

Submissions (2):

Women's Health and Genetics/Laboratory Corporation of America, LabCorp
Classification: Uncertain significance. Last evaluated: 2023-07-21. Review status: criteria provided, single submitter. Criteria: LabCorp Variant Classification Summary - May 2015. Collection method: clinical testing. Allele origin: germline.
Comment: Variant summary: BCORL1 c.3463C>A (p.Pro1155Thr) results in a non-conservative amino acid change in the encoded protein sequence. Four of five in-silico tools predict a benign effect of the variant on protein function. The variant allele was found at a frequency of 3.5e-05 in 144178 control chromosomes, including 2 hemizygotes (gnomAD). The available data on variant occurrences in the general population are insufficient to allow any conclusion about variant significance. c.3463C>A has been reported in the literature in the hemizygous state in an individual undergoing whole genome sequencing for a suspected rare multisystem ciliopathy disorder (Best_2021). The authors reported the variant as a VUS and described Shukla-Vernon Syndrome as a partial match for the patient phenotype, however limited clinical information was provided. This report does not provide unequivocal conclusions about association of the variant with Shukla-Vernon Syndrome. To our knowledge, no experimental evidence demonstrating an impact on protein function has been reported. The following publication has been ascertained in the context of this evaluation (PMID: 34716235). One submitter has provided a clinical-significance assessment for this variant to ClinVar after 2014 and has classified the variant as uncertain significance. Based on the evidence outlined above, the variant was classified as uncertain significance.

Revvity Omics, Revvity
Classification: Uncertain significance for Shukla-Vernon syndrome. Last evaluated: 2021-10-27. Review status: criteria provided, single submitter. Criteria: ACMG Guidelines, 2015. Collection method: clinical testing. Allele origin: germline.

Literature cited by the submitters: PubMed 24047651 (cited by Women's Health and Genetics/Laboratory Corporation of America, LabCorp); PubMed 26879601 (cited by Women's Health and Genetics/Laboratory Corporation of America, LabCorp); PubMed 26132940 (cited by Women's Health and Genetics/Laboratory Corporation of America, LabCorp); PubMed 25596268 (cited by Women's Health and Genetics/Laboratory Corporation of America, LabCorp); PubMed 26980726 (cited by Women's Health and Genetics/Laboratory Corporation of America, LabCorp); PubMed 29692343 (cited by Women's Health and Genetics/Laboratory Corporation of America, LabCorp); PubMed 34716235 (cited by Women's Health and Genetics/Laboratory Corporation of America, LabCorp).

NM_001379451.1(BCORL1):c.3463C>A (p.Pro1155Thr)

Gene: BCORL1 (BCL6 corepressor like 1; plus strand). Cytogenetic location: Xq26.1.
Variant type: single nucleotide variant.
Coding change: c.3463C>A on transcript NM_001379451.1 (MANE Select); coding-DNA position 3463, C replaced by A.
Protein change: p.Pro1155Thr; replaces proline 1155 with threonine.
Molecular consequence: missense variant.
Genome position (GRCh38, 1-based): chrX:130,021,006, C>A. VCF-style: chrX-130021006-C-A. GRCh37 (hg19) VCF-style: chrX-129154981-C-A.
Other names: c.3463C>A, p.Pro1155Thr (NM_001184772.3, NM_001379450.1, NM_021946.5); short protein forms P1155T.
Identifiers: ClinVar variation 2439499 (VCV002439499.4), dbSNP rs371054533, ClinGen allele CA10514523.
Genomic context (GRCh38, chrX:130,021,006, plus strand): 5'-CAAAACTGACCTCAGACCTGACCCTCTACCTCTCCACAGTGCCGGAAGCTGCCCAGTGAC[C>A]CCCAGGAATCCACCAAGAAAAGCCCCAGGGGGGCTTCAGATTCAGGAAAAGAGCACAATG-3'
Protein context (NP_001366380.1, residues 1145-1165): RPKCRKLPSD[Pro1155Thr]QESTKKSPRG